The following is an entry in ClinVar:

NM_001854.4(COL11A1):c.4310C>A (p.Pro1437His)

Gene: COL11A1 (collagen type XI alpha 1 chain; minus strand). Cytogenetic location: 1p21.1.
Variant type: single nucleotide variant.
Coding change: c.4310C>A on transcript NM_001854.4 (MANE Select); coding-DNA position 4310, C replaced by A.
Protein change: p.Pro1437His; replaces proline 1437 with histidine.
Molecular consequence: missense variant. On other transcripts: non-coding transcript variant (1).
Genome position (GRCh38, 1-based): chr1:102,890,497, G>T on the plus strand (C>A on the coding strand, the complement: COL11A1 is on the minus strand). VCF-style: chr1-102890497-G-T. GRCh37 (hg19) VCF-style: chr1-103356053-G-T.
Other names: c.3962C>A, p.Pro1321His (NM_001168249.1, NM_080630.4); c.4193C>A, p.Pro1398His (NM_001190709.2); c.4346C>A, p.Pro1449His (NM_080629.3); short protein forms P1321H, P1398H, P1437H, P1449H.
Identifiers: ClinVar variation 2078722 (VCV002078722.4), dbSNP rs1651614008, ClinGen allele CA341212906.

ClinVar aggregate classification (germline): Uncertain significance (1 of 4 stars; one submission).

Allele frequency attached by ClinVar (database versions not stated): TOPMed below 0.00001.
gnomAD v4.1: 1 of 1,603,394 alleles (0.000062%); no homozygotes.

Submission:

Labcorp Genetics (formerly Invitae), Labcorp
Classification: Uncertain significance. Last evaluated: 2025-12-24. Review status: criteria provided, single submitter. Criteria: Invitae Variant Classification Sherloc (09022015). Collection method: clinical testing. Allele origin: germline.
Comment: This sequence change replaces proline, which is neutral and non-polar, with histidine, which is basic and polar, at codon 1437 of the COL11A1 protein (p.Pro1437His). This variant is not present in population databases (gnomAD no frequency). This variant has not been reported in the literature in individuals affected with COL11A1-related conditions. ClinVar contains an entry for this variant (Variation ID: 2078722). Invitae Evidence Modeling of protein sequence and biophysical properties (such as structural, functional, and spatial information, amino acid conservation, physicochemical variation, residue mobility, and thermodynamic stability) indicates that this missense variant is not expected to disrupt COL11A1 protein function with a negative predictive value of 80%. In summary, the available evidence is currently insufficient to determine the role of this variant in disease. Therefore, it has been classified as a Variant of Uncertain Significance.